The following is an entry in ClinVar:

NM_001256114.2(LHX8):c.75+9G>A

Gene: LHX8 (LIM homeobox 8; plus strand). Cytogenetic location: 1p31.1.
Variant type: single nucleotide variant.
Coding change: c.75+9G>A on transcript NM_001256114.2 (MANE Select); 9 bases into the intron after coding-DNA position 75, G replaced by A.
Molecular consequence: intron variant.
Genome position (GRCh38, 1-based): chr1:75,136,698, G>A. VCF-style: chr1-75136698-G-A. GRCh37 (hg19) VCF-style: chr1-75602383-G-A.
Other names: c.105+9G>A (NM_001001933.1).
Identifiers: ClinVar variation 3041330 (VCV003041330.2), dbSNP rs746324852, ClinGen allele CA911795.

ClinVar aggregate classification (germline): Likely benign (0 of 4 stars; one submission).

Conditions:
LHX8-related disorder. Also called: LHX8-related condition.

Allele frequency attached by ClinVar (database versions not stated): ExAC 0.00011; TOPMed 0.00035; gnomAD 0.00037; gnomAD exomes 0.00061.
gnomAD v4.1: 886 of 1,542,250 alleles (0.057%); highest among the groups gnomAD compares: Non-Finnish European, 0.073%; 1 homozygote.

Submission:

PreventionGenetics, part of Exact Sciences
Classification: Likely benign for LHX8-related condition. Last evaluated: 2019-05-10. Review status: no assertion criteria provided. Collection method: clinical testing. Allele origin: germline.
Comment: This variant is classified as likely benign based on ACMG/AMP sequence variant interpretation guidelines (Richards et al. 2015 PMID: 25741868, with internal and published modifications).